The following is an entry in ClinVar:

ClinVar aggregate classification (germline): Benign/Likely benign. Review status: criteria provided, multiple submitters, no conflicts (2 of 4 stars). 6 submissions from 6 submitters: Benign (1); Likely benign (4). 1 of the submissions does not count toward it. Last evaluated 2026-01-21.

Conditions:
Multiple endocrine neoplasia type 4. Also called: MULTIPLE ENDOCRINE NEOPLASIA, TYPE IV. Identifiers: Orphanet 276152, MedGen C1970712, MONDO:0012552, OMIM 610755.
CDKN1B-related disorder. Also called: CDKN1B-related condition.
Hereditary cancer-predisposing syndrome. Also called: Hereditary neoplastic syndrome; Neoplastic Syndromes, Hereditary; Hereditary Cancer Syndrome; Tumor predisposition. Identifiers: Orphanet 140162, MedGen C0027672, MeSH D009386, MONDO:0015356.

Allele frequency attached by ClinVar (database versions not stated): gnomAD 0.00005 and 0.00006; TOPMed 0.00005; ESP Exome Variant Server 0.00008.
gnomAD v4.1: 112 of 1,614,078 alleles (0.0069%); highest among the groups gnomAD compares: East Asian, 0.02%; no homozygotes.

Submissions (6):

Labcorp Genetics (formerly Invitae), Labcorp
Classification: Likely benign for Multiple endocrine neoplasia type 4. Last evaluated: 2026-01-21. Review status: criteria provided, single submitter. Criteria: Invitae Variant Classification Sherloc (09022015). Collection method: clinical testing. Allele origin: germline.

Quest Diagnostics Nichols Institute San Juan Capistrano
Classification: Benign. Last evaluated: 2025-03-18. Review status: criteria provided, single submitter. Criteria: Quest Diagnostics criteria. Collection method: clinical testing. Allele origin: unknown.

Blueprint Genetics
Classification: Likely benign. Last evaluated: 2024-06-13. Review status: criteria provided, single submitter. Criteria: ACMG Guidelines, 2015. Collection method: clinical testing. Allele origin: germline.

Sema4
Classification: Likely benign for Hereditary cancer-predisposing syndrome. Last evaluated: 2021-09-30. Review status: criteria provided, single submitter. Criteria: Sema4 Curation Guidelines. Collection method: curation. Allele origin: germline.

Ambry Genetics
Classification: Likely benign for Hereditary cancer-predisposing syndrome. Last evaluated: 2018-02-22. Review status: criteria provided, single submitter. Criteria: Ambry Variant Classification Scheme 2023. Collection method: clinical testing. Allele origin: germline.

PreventionGenetics, part of Exact Sciences
Classification: Likely benign for CDKN1B-related condition. Last evaluated: 2024-06-18. Review status: no assertion criteria provided. Collection method: clinical testing. Allele origin: germline. Not counted in ClinVar's aggregate classification.
Comment: This variant is classified as likely benign based on ACMG/AMP sequence variant interpretation guidelines (Richards et al. 2015 PMID: 25741868, with internal and published modifications).

NM_004064.5(CDKN1B):c.168C>T (p.Ser56=)

Gene: CDKN1B (cyclin dependent kinase inhibitor 1B; plus strand). Cytogenetic location: 12p13.1.
Variant type: single nucleotide variant.
Coding change: c.168C>T on transcript NM_004064.5 (MANE Select); coding-DNA position 168, C replaced by T.
Protein change: p.Ser56=; no amino-acid change (serine 56 retained).
Molecular consequence: synonymous variant.
Genome position (GRCh38, 1-based): chr12:12,718,007, C>T. VCF-style: chr12-12718007-C-T. GRCh37 (hg19) VCF-style: chr12-12870941-C-T.
Identifiers: ClinVar variation 469002 (VCV000469002.20), dbSNP rs35456792, ClinGen allele CA6457402.